The following is an entry in ClinVar:

ClinVar aggregate classification (germline): Conflicting classifications of pathogenicity. Review status: criteria provided, conflicting classifications (1 of 4 stars). 4 submissions from 4 submitters: Uncertain significance (2); Likely benign (2). Last evaluated 2026-03-26.

Conditions:
GABRD-related disorder. Also called: GABRD-related condition.
Idiopathic generalized epilepsy. Also called: Generalised epilepsy; EIG. Identifiers: MedGen C0270850, MONDO:0005579, OMIM 600669.
Inborn genetic diseases. Identifiers: MedGen C0950123, MeSH D030342.

Allele frequency attached by ClinVar (database versions not stated): gnomAD 0.00004 and 0.00012; TOPMed 0.00006; ExAC 0.01316.

Submissions (4):

PreventionGenetics, part of Exact Sciences
Classification: Likely benign for GABRD-related condition. Last evaluated: 2026-03-26. Review status: criteria provided, single submitter. Criteria: ACMG Guidelines, 2015. Collection method: clinical testing. Allele origin: germline.
Comment: This variant is classified as likely benign based on ACMG/AMP sequence variant interpretation guidelines (Richards et al. 2015 PMID: 25741868, with internal and published modifications).

Labcorp Genetics (formerly Invitae), Labcorp
Classification: Uncertain significance for Idiopathic generalized epilepsy. Last evaluated: 2025-11-09. Review status: criteria provided, single submitter. Criteria: Invitae Variant Classification Sherloc (09022015). Collection method: clinical testing. Allele origin: germline.
Comment: This sequence change replaces alanine, which is neutral and non-polar, with serine, which is neutral and polar, at codon 3 of the GABRD protein (p.Ala3Ser). This variant is present in population databases (rs759523853, gnomAD 0.4%). This variant has not been reported in the literature in individuals affected with GABRD-related conditions. ClinVar contains an entry for this variant (Variation ID: 641126). An algorithm developed to predict the effect of missense changes on protein structure and function outputs the following: PolyPhen-2: "Not Available". The serine amino acid residue is found in multiple mammalian species, which suggests that this missense change does not adversely affect protein function. In summary, the available evidence is currently insufficient to determine the role of this variant in disease. Therefore, it has been classified as a Variant of Uncertain Significance.

Ambry Genetics
Classification: Uncertain significance for Inborn genetic diseases. Last evaluated: 2025-08-22. Review status: criteria provided, single submitter. Criteria: Ambry Variant Classification Scheme 2023. Collection method: clinical testing. Allele origin: germline.

Blueprint Genetics
Classification: Likely benign. Last evaluated: 2024-09-30. Review status: criteria provided, single submitter. Criteria: ACMG Guidelines, 2015. Collection method: clinical testing. Allele origin: germline.

NM_000815.5(GABRD):c.7G>T (p.Ala3Ser)

Gene: GABRD (gamma-aminobutyric acid type A receptor subunit delta; plus strand). Cytogenetic location: 1p36.33.
Variant type: single nucleotide variant.
Coding change: c.7G>T on transcript NM_000815.5 (MANE Select); coding-DNA position 7, G replaced by T.
Protein change: p.Ala3Ser; replaces alanine 3 with serine.
Molecular consequence: missense variant.
Genome position (GRCh38, 1-based): chr1:2,019,430, G>T. VCF-style: chr1-2019430-G-T. GRCh37 (hg19) VCF-style: chr1-1950869-G-T.
Other names: c.7G>T (NM_000815.4); short protein forms A3S.
Identifiers: ClinVar variation 641126 (VCV000641126.12), dbSNP rs759523853, ClinGen allele CA534490.